The following is an entry in ClinVar:

NM_024077.5(SECISBP2):c.358C>T (p.Arg120Ter)

Gene: SECISBP2 (SECIS binding protein 2; plus strand). Cytogenetic location: 9q22.2.
Variant type: single nucleotide variant.
Coding change: c.358C>T on transcript NM_024077.5 (MANE Select); coding-DNA position 358, C replaced by T.
Protein change: p.Arg120Ter; replaces arginine 120 with a stop codon.
Molecular consequence: nonsense. On other transcripts: 5 prime UTR variant (1).
Genome position (GRCh38, 1-based): chr9:89,325,602, C>T. VCF-style: chr9-89325602-C-T. GRCh37 (hg19) VCF-style: chr9-91940517-C-T.
Other names: c.358C>T (NM_024077.4); c.358C>T, p.Arg120Ter (NM_001282688.2, NM_001354696.2, NM_001354697.2 and 1 more transcripts); c.139C>T, p.Arg47Ter (NM_001282689.2); c.154C>T, p.Arg52Ter (NM_001282690.1); c.-490C>T (NM_001354702.2); short protein forms R120*, R47*, R52*.
Identifiers: ClinVar variation 1323572 (VCV001323572.5), dbSNP rs777447200, ClinGen allele CA5117057.

ClinVar aggregate classification (germline): Pathogenic. Review status: criteria provided, multiple submitters, no conflicts (2 of 4 stars). 2 submissions from 2 submitters: Pathogenic (2). Last evaluated 2026-07-14.

Conditions:
Thyroid hormone metabolism, abnormal 1 (THMA1). Also called: Short stature-delayed bone age due to thyroid hormone metabolism deficiency. Identifiers: Orphanet 171706, MedGen C5676891, MONDO:0800046, OMIM 609698.
SECISBP2-related disorder. Also called: SECISBP2-related condition.

Allele frequency attached by ClinVar (database versions not stated): ExAC 0.00002; gnomAD exomes 0.00002; TOPMed 0.00002; gnomAD 0.00003.
gnomAD v4.1: 18 of 1,613,954 alleles (0.0011%); highest among the groups gnomAD compares: East Asian, 0.0067%; no homozygotes.

Submissions (2):

PreventionGenetics, part of Exact Sciences
Classification: Pathogenic for SECISBP2-related condition. Last evaluated: 2026-07-14. Review status: criteria provided, single submitter. Criteria: ACMG Guidelines, 2015. Collection method: clinical testing. Allele origin: germline.
Comment: The SECISBP2 c.358C>T variant is predicted to result in premature protein termination (p.Arg120*). This variant has been reported in the homozygous or compound heterozygous state in multiple individuals with SECISBP2 deficiency (Azevedo et al. 2010. PubMed ID: 20501692; Stoupa et al. 2024. PubMed ID: 39315526; Almohammadi et al. 2025. PubMed ID: 40918659; Yang et al. 2025. PubMed ID: 41311234). This variant is reported in 0.010% of alleles in individuals of East Asian descent in gnomAD. Nonsense variants in SECISBP2 are expected to be pathogenic. This variant is interpreted as pathogenic.

Revvity Omics, Revvity
Classification: Pathogenic for Thyroid hormone metabolism, abnormal 1. Last evaluated: 2019-11-07. Review status: criteria provided, single submitter. Criteria: ACMG Guidelines, 2015. Collection method: clinical testing. Allele origin: germline.